The following is an entry in ClinVar:

NM_004036.5(ADCY3):c.1077C>T (p.His359=)

Gene: ADCY3 (adenylate cyclase 3; minus strand). Cytogenetic location: 2p23.3.
Variant type: single nucleotide variant.
Coding change: c.1077C>T on transcript NM_004036.5 (MANE Select); coding-DNA position 1077, C replaced by T.
Protein change: p.His359=; no amino-acid change (histidine 359 retained).
Molecular consequence: synonymous variant.
Genome position (GRCh38, 1-based): chr2:24,841,378, G>A on the plus strand (C>T on the coding strand, the complement: ADCY3 is on the minus strand). VCF-style: chr2-24841378-G-A. GRCh37 (hg19) VCF-style: chr2-25064247-G-A.
Other names: c.1077C>T, p.His359= (NM_001320613.2, NM_001377128.1, NM_001377129.1 and 2 more transcripts); c.354C>T, p.His118= (NM_001377131.1).
Identifiers: ClinVar variation 3030922 (VCV003030922.2), dbSNP rs2148575939, ClinGen allele CA425176984.

ClinVar aggregate classification (germline): Likely benign (0 of 4 stars; one submission).

Conditions:
ADCY3-related disorder. Also called: ADCY3-related condition.

Allele frequency attached by ClinVar (database versions not stated): gnomAD exomes below 0.00001.
gnomAD v4.1: 6 of 1,610,532 alleles (0.00037%); highest among the groups gnomAD compares: Non-Finnish European, 0.00051%; no homozygotes.

Submission:

PreventionGenetics, part of Exact Sciences
Classification: Likely benign for ADCY3-related condition. Last evaluated: 2023-02-15. Review status: no assertion criteria provided. Collection method: clinical testing. Allele origin: germline.
Comment: This variant is classified as likely benign based on ACMG/AMP sequence variant interpretation guidelines (Richards et al. 2015 PMID: 25741868, with internal and published modifications).